The following is an entry in ClinVar:

ClinVar aggregate classification (germline): Likely benign. Review status: criteria provided, multiple submitters, no conflicts (2 of 4 stars). 4 submissions from 4 submitters: Likely benign (4). Last evaluated 2024-05-02.

Conditions:
Cardiomyopathy (CMYO). Also called: Cardiomyopathies. Identifiers: Orphanet 167848, MedGen C0878544, MONDO:0004994, HP:0001638. Inheritance: Various modes of inheritance.
Arrhythmogenic right ventricular dysplasia 11. Also called: Arrhythmogenic Right Ventricular Dysplasia/Cardiomyopathy11; ARRHYTHMOGENIC RIGHT VENTRICULAR DYSPLASIA, FAMILIAL, 11; Arrhythmogenic right ventricular dysplasia 11 with mild palmoplantar keratoderma and woolly hair. Identifiers: MedGen C1864850, MONDO:0012506, OMIM 610476.
Cardiovascular phenotype. Identifiers: MedGen CN230736.
Familial isolated arrhythmogenic right ventricular dysplasia. Identifiers: Orphanet 217656, MedGen C4274968, MONDO:0016342.

Allele frequency attached by ClinVar (database versions not stated): TOPMed 0.00001; ExAC 0.00002; gnomAD 0.00002; gnomAD exomes 0.00003 and 0.00002.

Submissions (4):

Ambry Genetics
Classification: Likely benign for Cardiovascular phenotype. Last evaluated: 2024-05-02. Review status: criteria provided, single submitter. Criteria: Ambry Variant Classification Scheme 2023. Collection method: clinical testing. Allele origin: germline.

All of Us Research Program, National Institutes of Health
Classification: Likely benign for Familial isolated arrhythmogenic right ventricular dysplasia. Last evaluated: 2024-02-05. Review status: criteria provided, single submitter. Criteria: ACMG Guidelines, 2015. Collection method: clinical testing. Allele origin: germline. Inheritance: Autosomal dominant inheritance. Observed: 5 variant alleles, 5 heterozygotes.
Comment: This study involves interpretation of variants in research participants for the purpose of population health screening. Participant phenotype was not available at the time of variant classification. Additional details can be found in publication PMID: 35346344, PMCID: PMC8962531

Labcorp Genetics (formerly Invitae), Labcorp
Classification: Likely benign for Arrhythmogenic right ventricular dysplasia 11. Last evaluated: 2023-08-17. Review status: criteria provided, single submitter. Criteria: Invitae Variant Classification Sherloc (09022015). Collection method: clinical testing. Allele origin: germline.

Color Diagnostics, LLC DBA Color Health
Classification: Likely benign for Cardiomyopathy. Last evaluated: 2019-11-20. Review status: criteria provided, single submitter. Criteria: ACMG Guidelines, 2015. Collection method: clinical testing. Allele origin: germline.

NM_024422.6(DSC2):c.2031C>T (p.Cys677=)

Gene: DSC2 (desmocollin 2; minus strand). Cytogenetic location: 18q12.1.
Variant type: single nucleotide variant.
Coding change: c.2031C>T on transcript NM_024422.6 (MANE Select); coding-DNA position 2031, C replaced by T.
Protein change: p.Cys677=; no amino-acid change (cysteine 677 retained).
Molecular consequence: synonymous variant.
Genome position (GRCh38, 1-based): chr18:31,071,699, G>A on the plus strand (C>T on the coding strand, the complement: DSC2 is on the minus strand). VCF-style: chr18-31071699-G-A. GRCh37 (hg19) VCF-style: chr18-28651665-G-A.
Other names: c.2031C>T, p.Cys677= (NM_004949.5).
Identifiers: ClinVar variation 796010 (VCV000796010.14), dbSNP rs754488475, ClinGen allele CA034327.